The following is an entry in ClinVar:

ClinVar aggregate classification (germline): Conflicting classifications of pathogenicity. Review status: criteria provided, conflicting classifications (1 of 4 stars). 4 submissions from 4 submitters: Likely pathogenic (1); Uncertain significance (3). Last evaluated 2024-09-08.

Conditions:
ALG1-congenital disorder of glycosylation. Also called: ALG1-CDG; CONGENITAL DISORDER OF GLYCOSYLATION, TYPE Ik; CDG Ik. Identifiers: Orphanet 79327, MedGen C2931005, MONDO:0012052, OMIM 608540.

Allele frequency attached by ClinVar (database versions not stated): gnomAD 0.00001 and 0.00003; TOPMed 0.00001; ExAC 0.00009; 1000 Genomes Project 30x 0.00031; 1000 Genomes Project 0.00040.

Submissions (4):

Women's Health and Genetics/Laboratory Corporation of America, LabCorp
Classification: Uncertain significance. Last evaluated: 2024-09-08. Review status: criteria provided, single submitter. Criteria: LabCorp Variant Classification Summary - May 2015. Collection method: clinical testing. Allele origin: germline.

Labcorp Genetics (formerly Invitae), Labcorp
Classification: Uncertain significance for ALG1-congenital disorder of glycosylation. Last evaluated: 2022-06-29. Review status: criteria provided, single submitter. Criteria: Invitae Variant Classification Sherloc (09022015). Collection method: clinical testing. Allele origin: germline.
Comment: This sequence change replaces proline, which is neutral and non-polar, with serine, which is neutral and polar, at codon 218 of the ALG1 protein (p.Pro218Ser). The frequency data for this variant in the population databases is considered unreliable, as metrics indicate poor data quality at this position in the gnomAD database. This variant has not been reported in the literature in individuals affected with ALG1-related conditions. ClinVar contains an entry for this variant (Variation ID: 619122). Advanced modeling of protein sequence and biophysical properties (such as structural, functional, and spatial information, amino acid conservation, physicochemical variation, residue mobility, and thermodynamic stability) performed at Invitae indicates that this missense variant is expected to disrupt ALG1 protein function. In summary, the available evidence is currently insufficient to determine the role of this variant in disease. Therefore, it has been classified as a Variant of Uncertain Significance.

Diagnostics Division, CENTRE FOR DNA FINGERPRINTING AND DIAGNOSTICS
Classification: Likely pathogenic for ALG1-congenital disorder of glycosylation. Review status: criteria provided, single submitter. Criteria: ACMG Guidelines, 2015. Collection method: research. Allele origin: germline. Inheritance: Autosomal recessive inheritance. Affected: yes. Observed: 1 homozygote.
Comment: Missense variant

Neuberg Centre For Genomic Medicine, NCGM
Classification: Uncertain significance for ALG1-congenital disorder of glycosylation. Review status: criteria provided, single submitter. Criteria: ACMG Guidelines, 2015. Collection method: clinical testing. Allele origin: germline. Inheritance: Autosomal recessive inheritance. Affected: yes.

NM_019109.5(ALG1):c.652C>T (p.Pro218Ser)

Gene: ALG1 (ALG1 chitobiosyldiphosphodolichol beta-mannosyltransferase; plus strand). Cytogenetic location: 16p13.3.
Variant type: single nucleotide variant.
Coding change: c.652C>T on transcript NM_019109.5 (MANE Select); coding-DNA position 652, C replaced by T.
Protein change: p.Pro218Ser; replaces proline 218 with serine.
Molecular consequence: missense variant.
Genome position (GRCh38, 1-based): chr16:5,077,929, C>T. VCF-style: chr16-5077929-C-T. GRCh37 (hg19) VCF-style: chr16-5127930-C-T.
Other names: c.319C>T, p.Pro107Ser (NM_001330504.2); short protein forms P107S.
Identifiers: ClinVar variation 619122 (VCV000619122.10), dbSNP rs528261173, ClinGen allele CA7889951.